The following is an entry in ClinVar:

NM_153741.2(DPM3):c.196G>T (p.Asp66Tyr)

Gene: DPM3 (dolichyl-phosphate mannosyltransferase subunit 3, regulatory; minus strand). Cytogenetic location: 1q22.
Variant type: single nucleotide variant.
Coding change: c.196G>T on transcript NM_153741.2 (MANE Select); coding-DNA position 196, G replaced by T.
Protein change: p.Asp66Tyr; replaces aspartic acid 66 with tyrosine.
Molecular consequence: missense variant.
Genome position (GRCh38, 1-based): chr1:155,140,045, C>A on the plus strand (G>T on the coding strand, the complement: DPM3 is on the minus strand). VCF-style: chr1-155140045-C-A. GRCh37 (hg19) VCF-style: chr1-155112521-C-A.
Other names: c.286G>T, p.Asp96Tyr (NM_018973.4); short protein forms D66Y, D96Y.
Identifiers: ClinVar variation 1016244 (VCV001016244.9), dbSNP rs1204451277, ClinGen allele CA342663115.
Genomic context (GRCh38, chr1:155,140,045, plus strand): 5'-CTAAGTCGGCTCGGGCCTCCTGTATCTGGCTCTGCAGCTCGCGTGCGGCGTCCTCGCAGT[C>A]ATGAAAAGTGGCCACACGATAGCCCACAGTGCCCAGGGCATAGCAGCCGGCGGACACCAG-3'
Protein context (NP_714963.1, residues 56-76): TVGYRVATFH[Asp66Tyr]CEDAARELQS

ClinVar aggregate classification (germline): Uncertain significance (1 of 4 stars; one submission).

Conditions:
DPM3-congenital disorder of glycosylation (MDDGC15). Also called: MUSCULAR DYSTROPHY-DYSTROGLYCANOPATHY (LIMB-GIRDLE), TYPE C, 15; CDG Io; CDG1(DPM3); DPM3-CDG. Identifiers: Orphanet 263494, MedGen C2752007, MONDO:0013049, OMIM 612937.

Allele frequency attached by ClinVar (database versions not stated): TOPMed below 0.00001; gnomAD 0.00001.

Submission:

Labcorp Genetics (formerly Invitae), Labcorp
Classification: Uncertain significance for DPM3-congenital disorder of glycosylation. Last evaluated: 2020-06-19. Review status: criteria provided, single submitter. Criteria: Invitae Variant Classification Sherloc (09022015). Collection method: clinical testing. Allele origin: germline.
Comment: This variant is not present in population databases (ExAC no frequency). This variant has not been reported in the literature in individuals with DPM3-related conditions. Algorithms developed to predict the effect of missense changes on protein structure and function (SIFT, PolyPhen-2, Align-GVGD) all suggest that this variant is likely to be disruptive, but these predictions have not been confirmed by published functional studies and their clinical significance is uncertain. In summary, the available evidence is currently insufficient to determine the role of this variant in disease. Therefore, it has been classified as a Variant of Uncertain Significance. This sequence change replaces aspartic acid with tyrosine at codon 66 of the DPM3 protein (p.Asp66Tyr). The aspartic acid residue is highly conserved and there is a large physicochemical difference between aspartic acid and tyrosine.